The following is an entry in ClinVar:

NM_015512.5(DNAH1):c.3509C>T (p.Ser1170Leu)

Gene: DNAH1 (dynein axonemal heavy chain 1; plus strand). Cytogenetic location: 3p21.1.
Variant type: single nucleotide variant.
Coding change: c.3509C>T on transcript NM_015512.5 (MANE Select); coding-DNA position 3509, C replaced by T.
Protein change: p.Ser1170Leu; replaces serine 1170 with leucine.
Molecular consequence: missense variant.
Genome position (GRCh38, 1-based): chr3:52,354,871, C>T. VCF-style: chr3-52354871-C-T. GRCh37 (hg19) VCF-style: chr3-52388887-C-T.
Other names: short protein forms S1170L.
Identifiers: ClinVar variation 665906 (VCV000665906.3), dbSNP rs376804969, ClinGen allele CA2433601.
Genomic context (GRCh38, chr3:52,354,871, plus strand): 5'-CAGGACTCAGCCTGGCTTGTCCCCGACCCCAGGCACTGGACAAGATGGAGAAGGAGTGGT[C>T]GACCATCCTGTTCAATGTACTGCCCTACAAGGCGACAGACACCTACATCCTGAAGAGCCC-3'
Protein context (NP_056327.4, residues 1160-1180): QALDKMEKEW[Ser1170Leu]TILFNVLPYK

ClinVar aggregate classification (germline): Uncertain significance (1 of 4 stars; one submission).

Conditions:
Spermatogenic failure 18. Identifiers: MedGen C4539783, MONDO:0054615, OMIM 617576.
Ciliary dyskinesia, primary, 37 (CILD37). Also called: CILIARY DYSKINESIA, PRIMARY, 37, WITH OR WITHOUT SITUS INVERSUS. Identifiers: MedGen C4539798, MONDO:0033204, OMIM 617577.

Allele frequency attached by ClinVar (database versions not stated): TOPMed 0.00001; gnomAD exomes 0.00003 and 0.00004; ExAC 0.00006; ESP Exome Variant Server 0.00008.
gnomAD v4.1: 18 of 1,613,682 alleles (0.0011%); highest among the groups gnomAD compares: Admixed American, 0.01%; no homozygotes.

Submission:

Labcorp Genetics (formerly Invitae), Labcorp
Classification: Uncertain significance for Ciliary dyskinesia, primary, 37; Spermatogenic failure 18. Last evaluated: 2022-02-10. Review status: criteria provided, single submitter. Criteria: Invitae Variant Classification Sherloc (09022015). Collection method: clinical testing. Allele origin: germline.
Comment: This sequence change replaces serine, which is neutral and polar, with leucine, which is neutral and non-polar, at codon 1170 of the DNAH1 protein (p.Ser1170Leu). This variant is present in population databases (rs376804969, gnomAD 0.02%). This variant has not been reported in the literature in individuals affected with DNAH1-related conditions. ClinVar contains an entry for this variant (Variation ID: 665906). Algorithms developed to predict the effect of missense changes on protein structure and function are either unavailable or do not agree on the potential impact of this missense change (SIFT: "Deleterious"; PolyPhen-2: "Benign"; Align-GVGD: "Class C0"). In summary, the available evidence is currently insufficient to determine the role of this variant in disease. Therefore, it has been classified as a Variant of Uncertain Significance.